The following is an entry in ClinVar:

NM_000256.3(MYBPC3):c.2687T>C (p.Val896Ala)

Gene: MYBPC3 (myosin binding protein C3; minus strand). Cytogenetic location: 11p11.2.
Variant type: single nucleotide variant.
Coding change: c.2687T>C on transcript NM_000256.3 (MANE Select); coding-DNA position 2687, T replaced by C.
Protein change: p.Val896Ala; replaces valine 896 with alanine.
Molecular consequence: missense variant.
Genome position (GRCh38, 1-based): chr11:47,335,927, A>G on the plus strand (T>C on the coding strand, the complement: MYBPC3 is on the minus strand). VCF-style: chr11-47335927-A-G. GRCh37 (hg19) VCF-style: chr11-47357478-A-G.
Other names: short protein forms V896A.
Identifiers: ClinVar variation 4860508 (VCV004860508.1).
Genomic context (GRCh38, chr11:47,335,927, plus strand): 5'-GGACACTCACAGCCCTCTGGGCAGTACTCCACGCTGTAGCCATCCAGGCCTCCTGCTCCC[A>G]CGCGCTCTGGGGGCCGCCACTTGAGGGAGACCGTGGTGTCAGAGACGTCCTCTACTGCCA-3'
Protein context (NP_000247.2, residues 886-906): VSLKWRPPER[Val896Ala]GAGGLDGYSV

ClinVar aggregate classification (germline): Uncertain significance (1 of 4 stars; one submission).

Conditions:
Cardiovascular phenotype. Identifiers: MedGen CN230736.

Submission:

Ambry Genetics
Classification: Uncertain significance for Cardiovascular phenotype. Last evaluated: 2026-04-12. Review status: criteria provided, single submitter. Criteria: Ambry Variant Classification Scheme 2023. Collection method: clinical testing. Allele origin: germline.
Comment: The p.V896A variant (also known as c.2687T>C), located in coding exon 26 of the MYBPC3 gene, results from a T to C substitution at nucleotide position 2687. The valine at codon 896 is replaced by alanine, an amino acid with similar properties. This amino acid position is conserved. In addition, this alteration is predicted to be tolerated by in silico analysis. Based on the available evidence, the clinical significance of this variant remains unclear.